The following is an entry in ClinVar:

NM_000135.4(FANCA):c.4017_4021del (p.Ser1340fs)

Genes: ZNF276 (zinc finger protein 276; plus strand), FANCA (FA complementation group A; minus strand). Cytogenetic location: 16q24.3.
Variant type: Deletion.
Coding change: c.4017_4021del on transcript NM_000135.4 (MANE Select); coding-DNA positions 4017 to 4021, 5 bases deleted (CTCCT; older notation c.4017_4021delCTCCT).
Protein change: p.Ser1340fs; shifts the reading frame from serine 1340.
Molecular consequence: frameshift variant. On other transcripts: 3 prime UTR variant (2), non-coding transcript variant (4).
Genome position (GRCh38, 1-based): chr16:89,739,279-89,739,283, AGGAG deleted on the plus strand (CTCCT on the coding strand, the reverse complement: FANCA is on the minus strand); deleting any 5 consecutive bases within chr16:89,739,279-89,739,285 gives the same sequence; the c. name uses the placement nearest the transcript's 3' end. VCF-style (leftmost placement, unchanged base first): chr16-89739278-TAGGAG-T. GRCh37 (hg19) VCF-style: chr16-89805686-TAGGAG-T.
Other names: c.4015_4019delCTCTC, p.Ser1340Leufs (NM_000135.2); c.4017_4021del, p.Ser1340fs (NM_001286167.3); c.*1035_*1039del (NM_001113525.2, NM_152287.4); short protein forms S1340fs.
Identifiers: ClinVar variation 974066 (VCV000974066.6), dbSNP rs773113065, ClinGen allele CA8250813.
Genomic context (GRCh38, chr16:89,739,278, plus strand): 5'-TACATGTCCACAGCAACATGCAGGAAGGCCTCTTCCCTGATGGCCGCGTCTTCATGGAAG[TAGGAG>T]AGAAGACTAGAGGTAAAGACATAGTGACAAATGGCTACAGACTGCTGGAAAGGTAGCAGG-3'

ClinVar aggregate classification (germline): Pathogenic. Review status: criteria provided, multiple submitters, no conflicts (2 of 4 stars). 4 submissions from 4 submitters: Pathogenic (3). 1 of the submissions does not count toward it. Last evaluated 2025-02-12.

Conditions:
Fanconi anemia (FA). Also called: Fanconi's anemia. Identifiers: Orphanet 84, MedGen C0015625, MeSH D005199, MONDO:0019391.
Fanconi anemia complementation group A (FANCA). Also called: Fanconi anemia, group A; FANCA-Related Fanconi Anemia. Identifiers: Orphanet 84, MedGen C3469521, MONDO:0009215, OMIM 227650.

Submissions (4):

Myriad Genetics, Inc.
Classification: Pathogenic for Fanconi anemia complementation group A. Last evaluated: 2025-02-12. Review status: criteria provided, single submitter. Criteria: Myriad Autosomal Dominant, Autosomal Recessive and X-Linked Classification Criteria (2023). Collection method: clinical testing. Allele origin: unknown.
Comment: NM_000135.2(FANCA):c.4017_4021del5(S1340Lfs*3) is a frameshift variant classified as pathogenic in the context of Fanconi anemia complementation group A. S1340Lfs*3 has been observed in cases with relevant disease (PMID: 29098742, 15643609). Relevant functional assessments of this variant are not available in the literature. S1340Lfs*3 has been observed in referenced population frequency databases. In summary, NM_000135.2(FANCA):c.4017_4021del5(S1340Lfs*3) is a frameshift variant in a gene where loss of function is a known mechanism of disease, is predicted to disrupt protein function, and has been observed more frequently in cases with the relevant disease than in healthy populations. Please note: this variant was assessed in the context of healthy population screening.

Labcorp Genetics (formerly Invitae), Labcorp
Classification: Pathogenic for Fanconi anemia. Last evaluated: 2023-03-08. Review status: criteria provided, single submitter. Criteria: Invitae Variant Classification Sherloc (09022015). Collection method: clinical testing. Allele origin: germline.
Comment: For these reasons, this variant has been classified as Pathogenic. Algorithms developed to predict the effect of sequence changes on RNA splicing suggest that this variant may disrupt the consensus splice site. ClinVar contains an entry for this variant (Variation ID: 974066). This premature translational stop signal has been observed in individual(s) with Fanconi anemia (PMID: 15643609, 29098742). This variant is present in population databases (rs773113065, gnomAD 0.004%). This sequence change creates a premature translational stop signal (p.Ser1340Leufs*3) in the FANCA gene. It is expected to result in an absent or disrupted protein product. Loss-of-function variants in FANCA are known to be pathogenic (PMID: 19367192).

Baylor Genetics
Classification: Pathogenic for Fanconi anemia complementation group A. Last evaluated: 2022-12-19. Review status: criteria provided, single submitter. Criteria: ACMG Guidelines, 2015. Collection method: clinical testing. Allele origin: unknown.

Leiden Open Variation Database
Classification: Pathogenic for Fanconi anemia complementation group A. Last evaluated: 2020-02-28. Review status: no assertion criteria provided. Collection method: curation. Allele origin: germline. Affected: yes. Not counted in ClinVar's aggregate classification.
Comment: Curator: Arleen D. Auerbach. Submitter to LOVD: Arleen D. Auerbach.

Literature cited by the submitters: PubMed 15643609 (cited by Myriad Genetics, Inc. and Labcorp Genetics (formerly Invitae), Labcorp); PubMed 29098742 (cited by Myriad Genetics, Inc. and Labcorp Genetics (formerly Invitae), Labcorp); PubMed 19367192 (cited by Labcorp Genetics (formerly Invitae), Labcorp).